The following is an entry in ClinVar:

ClinVar aggregate classification (germline): Uncertain significance (1 of 4 stars; one submission).

Conditions:
Hereditary cancer-predisposing syndrome. Also called: Neoplastic Syndromes, Hereditary; Tumor predisposition; Hereditary neoplastic syndrome; Hereditary Cancer Syndrome. Identifiers: Orphanet 140162, MedGen C0027672, MeSH D009386, MONDO:0015356.

Submission:

Ambry Genetics
Classification: Uncertain significance for Hereditary cancer-predisposing syndrome. Last evaluated: 2025-09-02. Review status: criteria provided, single submitter. Criteria: Ambry Variant Classification Scheme 2023. Collection method: clinical testing. Allele origin: germline.
Comment: The p.A40T variant (also known as c.118G>A), located in coding exon 1 of the CDKN2A gene, results from a G to A substitution at nucleotide position 118. The alanine at codon 40 is replaced by threonine, an amino acid with similar properties. This amino acid position is not well conserved in available vertebrate species. In addition, the in silico prediction for this alteration is inconclusive. Based on the available evidence, the clinical significance of this variant remains unclear.

NM_000077.5(CDKN2A):c.118G>A (p.Ala40Thr)

Gene: CDKN2A (cyclin dependent kinase inhibitor 2A; minus strand). Cytogenetic location: 9p21.3.
Variant type: single nucleotide variant.
Coding change: c.118G>A on transcript NM_000077.5; coding-DNA position 118, G replaced by A.
Protein change: p.Ala40Thr; replaces alanine 40 with threonine.
Molecular consequence: missense variant (on NM_000077.6). On other transcripts: intron variant (2).
Genome position (GRCh38, 1-based): chr9:21,974,710, C>T on the plus strand (G>A on the coding strand, the complement: CDKN2A is on the minus strand). VCF-style: chr9-21974710-C-T. GRCh37 (hg19) VCF-style: chr9-21974709-C-T.
Other names: c.118G>A, p.Ala40Thr (NM_000077.6, NM_001195132.2, NM_058197.5); c.-3-3502G>A (NM_001363763.2); c.194-3502G>A (NM_058195.4); short protein forms A40T.
Identifiers: ClinVar variation 4224786 (VCV004224786.1).